The following is an entry in ClinVar:

NM_002334.4(LRP4):c.4093C>T (p.Arg1365Trp)

Gene: LRP4 (LDL receptor related protein 4; minus strand). Cytogenetic location: 11p11.2.
Variant type: single nucleotide variant.
Coding change: c.4093C>T on transcript NM_002334.4 (MANE Select); coding-DNA position 4093, C replaced by T.
Protein change: p.Arg1365Trp; replaces arginine 1365 with tryptophan.
Molecular consequence: missense variant.
Genome position (GRCh38, 1-based): chr11:46,874,936, G>A on the plus strand (C>T on the coding strand, the complement: LRP4 is on the minus strand). VCF-style: chr11-46874936-G-A. GRCh37 (hg19) VCF-style: chr11-46896487-G-A.
Other names: short protein forms R1365W.
Identifiers: ClinVar variation 5019822 (VCV005019822.2).

ClinVar aggregate classification (germline): Uncertain significance (1 of 4 stars; one submission).

Conditions:
Cenani-Lenz syndactyly syndrome. Also called: CENANI SYNDACTYLISM; SYNDACTYLY, TYPE VII. Identifiers: Orphanet 3258, MedGen C1859309, MONDO:0008931, OMIM 212780.
Sclerosteosis 2 (SOST2). Identifiers: Orphanet 3152, MedGen C3280402, MONDO:0013679, OMIM 614305.
Congenital myasthenic syndrome 17. Identifiers: Orphanet 590, MedGen C4225377, MONDO:0014578, OMIM 616304.

gnomAD v4.1: 30 of 1,614,156 alleles (0.0019%); highest among the groups gnomAD compares: East Asian, 0.0067%; no homozygotes.

Submission:

Juno Genomics, Hangzhou Juno Genomics, Inc
Classification: Uncertain significance for Congenital myasthenic syndrome 17; Cenani-Lenz syndactyly syndrome; Sclerosteosis 2. Review status: criteria provided, single submitter. Criteria: ACMG Guidelines, 2015. Collection method: clinical testing. Allele origin: germline.
Comment: Absent from controls (or at extremely low frequency if recessive) in Genome Aggregation Database.;Multiple lines of computational evidence support a deleterious effect on the gene or gene product.;Missense variant in a gene that has a low rate of benign missense variation.